The following is an entry in ClinVar:

NM_017791.3(FLVCR2):c.1404_1405dup (p.Gly469fs)

Gene: FLVCR2 (FLVCR choline and putative heme transporter 2; plus strand). Cytogenetic location: 14q24.3.
Variant type: Duplication.
Coding change: c.1404_1405dup on transcript NM_017791.3 (MANE Select); coding-DNA positions 1404 to 1405, 2 bases duplicated (TG; older notation c.1404_1405dupTG).
Protein change: p.Gly469fs; shifts the reading frame from glycine 469.
Molecular consequence: frameshift variant.
Genome position (GRCh38, 1-based): chr14:75,641,244-75,641,245, TG duplicated. VCF-style (leftmost placement, unchanged base first): chr14-75641243-C-CTG. GRCh37 (hg19) VCF-style: chr14-76107586-C-CTG.
Other names: c.789_790dup, p.Gly264fs (NM_001195283.2); short protein forms G264fs, G469fs.
Identifiers: ClinVar variation 4880710 (VCV004880710.2).
Genomic context (GRCh38, chr14:75,641,243, plus strand): 5'-TATTTGGGATCATCTTTACCATCTCCCAGGGCCAGATTATTGACAACTATGGAACCAAGC[C>CTG]TGGGAACATCTTCCTGTGTGTGTTCCTTACTCTTGGAGCAGCCCTCACTGGTGAGTTGGA-3'

ClinVar aggregate classification (germline): Likely pathogenic (1 of 4 stars; one submission).

Conditions:
Proliferative vasculopathy and hydranencephaly-hydrocephaly syndrome. Also called: Fowler syndrome; ENCEPHALOCLASTIC PROLIFERATIVE VASCULOPATHY; HYDRANENCEPHALY, FOWLER TYPE; HYDROCEPHALY/HYDRANENCEPHALY DUE TO CEREBRAL VASCULOPATHY. Identifiers: Orphanet 221126, MedGen C1856972, MONDO:0009168, OMIM 225790.

Submission:

Dasa
Classification: Likely pathogenic for Proliferative vasculopathy and hydranencephaly-hydrocephaly syndrome. Last evaluated: 2026-03-25. Review status: criteria provided, single submitter. Criteria: DASA Assertion Criteria. Collection method: clinical testing. Allele origin: germline.
Comment: NM_017791.3(FLVCR2):c.1404_1405dup (p.Gly469Valfs*89) is a frameshift variant in FLVCR2 predicted to alter the reading frame and introduce a premature termination codon and is predicted to result in an absent or altered protein product. Loss of function is an established disease mechanism for FLVCR2-associated disorders. Also, this variant is rare in population databases. Based on the currently available evidence, this variant is classified as likely pathogenic.